The following is an entry in ClinVar:

ClinVar aggregate classification (germline): Uncertain significance. Review status: criteria provided, multiple submitters, no conflicts (2 of 4 stars). 2 submissions from 2 submitters: Uncertain significance (2). Last evaluated 2026-08-21.

gnomAD v4.1: 1 of 1,211,092 alleles (0.000083%); highest among the groups gnomAD compares: Non-Finnish European, 0.00011%; no homozygotes.

Submissions (2):

GeneDx
Classification: Uncertain significance. Last evaluated: 2026-08-21. Review status: criteria provided, single submitter. Criteria: GeneDx Variant Classification Process June 2021. Collection method: clinical testing. Allele origin: germline.
Comment: Not observed at significant frequency in large population cohorts (gnomAD); In silico analysis suggests that this missense variant does not alter protein structure/function; Has not been previously published as pathogenic or benign to our knowledge

Labcorp Genetics (formerly Invitae), Labcorp
Classification: Uncertain significance. Last evaluated: 2024-09-29. Review status: criteria provided, single submitter. Criteria: Invitae Variant Classification Sherloc (09022015). Collection method: clinical testing. Allele origin: germline.
Comment: This sequence change replaces serine, which is neutral and polar, with asparagine, which is neutral and polar, at codon 740 of the NEXMIF protein (p.Ser740Asn). This variant is not present in population databases (gnomAD no frequency). This variant has not been reported in the literature in individuals affected with NEXMIF-related conditions. An algorithm developed to predict the effect of missense changes on protein structure and function outputs the following: PolyPhen-2: "Benign". The asparagine amino acid residue is found in multiple mammalian species, which suggests that this missense change does not adversely affect protein function. In summary, the available evidence is currently insufficient to determine the role of this variant in disease. Therefore, it has been classified as a Variant of Uncertain Significance.

NM_001008537.3(NEXMIF):c.2219G>A (p.Ser740Asn)

Gene: NEXMIF (neurite extension and migration factor; minus strand). Cytogenetic location: Xq13.3.
Variant type: single nucleotide variant.
Coding change: c.2219G>A on transcript NM_001008537.3 (MANE Select); coding-DNA position 2219, G replaced by A.
Protein change: p.Ser740Asn; replaces serine 740 with asparagine.
Molecular consequence: missense variant.
Genome position (GRCh38, 1-based): chrX:74,742,338, C>T on the plus strand (G>A on the coding strand, the complement: NEXMIF is on the minus strand). VCF-style: chrX-74742338-C-T. GRCh37 (hg19) VCF-style: chrX-73962173-C-T.
Other names: short protein forms S740N.
Identifiers: ClinVar variation 3373644 (VCV003373644.4).
Genomic context (GRCh38, chrX:74,742,338, plus strand): 5'-TTTAAATTAGCCTTTGAGGATTGGTTTTCCAAGAGAGGGCTCATTTGAACAATTGGCTTG[C>T]TTTCTTGCCCAGCAGCTTTGACTTTCTTAGATTTTAACCTAGCTTCACTTTTAAATTTGA-3'
Protein context (NP_001008537.1, residues 730-750): SKKVKAAGQE[Ser740Asn]KPIVQMSPLL